The following is an entry in ClinVar:

NM_001320.7(CSNK2B):c.192del (p.Asp64fs)

Gene: CSNK2B (casein kinase 2 beta; plus strand). Cytogenetic location: 6p21.33.
Variant type: Deletion.
Coding change: c.192del on transcript NM_001320.7 (MANE Select); coding-DNA position 192, one base deleted (C; older notation c.192delC).
Protein change: p.Asp64fs; shifts the reading frame from aspartic acid 64.
Molecular consequence: frameshift variant.
Genome position (GRCh38, 1-based): chr6:31,668,555, C deleted. VCF-style (leftmost placement, unchanged base first): chr6-31668554-AC-A. GRCh37 (hg19) VCF-style: chr6-31636331-AC-A.
Other names: c.192del, p.Asp64fs (NM_001282385.2); short protein forms D64fs.
Identifiers: ClinVar variation 2583035 (VCV002583035.25), dbSNP rs2536962628, ClinGen allele CA2582341691.

ClinVar aggregate classification (germline): Pathogenic (1 of 4 stars; one submission).

Submission:

CeGaT Center for Human Genetics Tuebingen
Classification: Pathogenic. Last evaluated: 2023-09-01. Review status: criteria provided, single submitter. Criteria: CeGaT Center For Human Genetics Tuebingen Variant Classification Criteria Version 2. Collection method: clinical testing. Allele origin: germline. Affected: yes. Observed: 1 variant allele.
Comment: CSNK2B: PVS1, PM2